The following is an entry in ClinVar:

NM_001384125.1(BLTP1):c.3722C>G (p.Ala1241Gly)

Gene: BLTP1 (bridge-like lipid transfer protein family member 1; plus strand). Cytogenetic location: 4q27.
Variant type: single nucleotide variant.
Coding change: c.3722C>G on transcript NM_001384125.1 (MANE Select); coding-DNA position 3722, C replaced by G.
Protein change: p.Ala1241Gly; replaces alanine 1241 with glycine.
Molecular consequence: missense variant.
Genome position (GRCh38, 1-based): chr4:122,238,239, C>G. VCF-style: chr4-122238239-C-G. GRCh37 (hg19) VCF-style: chr4-123159394-C-G.
Other names: c.3722C>G, p.Ala1241Gly (NM_015312.4); short protein forms A1241G.
Identifiers: ClinVar variation 4986029 (VCV004986029.1).

ClinVar aggregate classification (germline): Uncertain significance (1 of 4 stars; one submission).

Conditions:
BLTP1-related disorder. Also called: BLTP1-related condition.

gnomAD v4.1: 20 of 1,613,668 alleles (0.0012%); highest among the groups gnomAD compares: Non-Finnish European, 0.0016%; no homozygotes.

Submission:

PreventionGenetics, part of Exact Sciences
Classification: Uncertain significance for BLTP1-related condition. Last evaluated: 2025-08-08. Review status: criteria provided, single submitter. Criteria: ACMG Guidelines, 2015. Collection method: clinical testing. Allele origin: germline.
Comment: The BLTP1 c.3722C>G variant is predicted to result in the amino acid substitution p.Ala1241Gly. To our knowledge, this variant has not been reported in the literature. This variant has been reported in one heterozygous individual within the ‘other’ subpopulation in gnomAD. At this time, the clinical significance of this variant is uncertain due to the absence of conclusive functional and genetic evidence.